The following is an entry in ClinVar:

ClinVar aggregate classification (germline): Uncertain significance (1 of 4 stars; one submission).

Submission:

Labcorp Genetics (formerly Invitae), Labcorp
Classification: Uncertain significance. Last evaluated: 2022-03-15. Review status: criteria provided, single submitter. Criteria: Invitae Variant Classification Sherloc (09022015). Collection method: clinical testing. Allele origin: germline.
Comment: This sequence change replaces glutamine, which is neutral and polar, with histidine, which is basic and polar, at codon 2452 of the SZT2 protein (p.Gln2452His). This variant is not present in population databases (gnomAD no frequency). This variant has not been reported in the literature in individuals affected with SZT2-related conditions. Algorithms developed to predict the effect of missense changes on protein structure and function are either unavailable or do not agree on the potential impact of this missense change (SIFT: "Deleterious"; PolyPhen-2: "Benign"; Align-GVGD: "Class C0"). In summary, the available evidence is currently insufficient to determine the role of this variant in disease. Therefore, it has been classified as a Variant of Uncertain Significance.

NM_001365999.1(SZT2):c.7527G>T (p.Gln2509His)

Gene: SZT2 (SZT2 subunit of KICSTOR complex; plus strand). Cytogenetic location: 1p34.2.
Variant type: single nucleotide variant.
Coding change: c.7527G>T on transcript NM_001365999.1 (MANE Select); coding-DNA position 7527, G replaced by T.
Protein change: p.Gln2509His; replaces glutamine 2509 with histidine.
Molecular consequence: missense variant.
Genome position (GRCh38, 1-based): chr1:43,441,519, G>T. VCF-style: chr1-43441519-G-T. GRCh37 (hg19) VCF-style: chr1-43907190-G-T.
Other names: c.7356G>T, p.Gln2452His (NM_015284.4); short protein forms Q2509H, Q2452H.
Identifiers: ClinVar variation 2112820 (VCV002112820.1), dbSNP rs758709853, ClinGen allele CA340035161.